The following is an entry in ClinVar:

NM_022356.4(P3H1):c.1170+5G>C

Gene: P3H1 (prolyl 3-hydroxylase 1; minus strand). Cytogenetic location: 1p34.2.
Variant type: single nucleotide variant.
Coding change: c.1170+5G>C on transcript NM_022356.4 (MANE Select); 5 bases into the intron after coding-DNA position 1170, G replaced by C.
Molecular consequence: intron variant.
Genome position (GRCh38, 1-based): chr1:42,755,543, C>G on the plus strand (G>C on the coding strand, the complement: P3H1 is on the minus strand). VCF-style: chr1-42755543-C-G. GRCh37 (hg19) VCF-style: chr1-43221214-C-G.
Other names: c.1170+5G>C (NM_022356.3, NM_001146289.2, NM_001243246.2).
Identifiers: ClinVar variation 1061675 (VCV001061675.13), dbSNP rs72659353, ClinGen allele CA801951.

ClinVar aggregate classification (germline): Pathogenic/Likely pathogenic. Review status: criteria provided, multiple submitters, no conflicts (2 of 4 stars). 4 submissions from 4 submitters: Pathogenic (2); Likely pathogenic (1). 1 of the submissions does not count toward it. Last evaluated 2025-10-07.

Conditions:
Osteogenesis imperfecta type 8 (OI8). Identifiers: MedGen C1970458, MONDO:0012581, OMIM 610915.
P3H1-related disorder. Also called: P3H1-related condition.

Allele frequency attached by ClinVar (database versions not stated): gnomAD exomes 0.00001; ExAC 0.00002; 1000 Genomes Project 30x 0.00016; 1000 Genomes Project 0.00020.
gnomAD v4.1: 3 of 1,611,036 alleles (0.00019%); highest among the groups gnomAD compares: East Asian, 0.0067%; no homozygotes.

Submissions (5):

Labcorp Genetics (formerly Invitae), Labcorp
Classification: Pathogenic for Osteogenesis imperfecta type 8. Last evaluated: 2025-10-07. Review status: criteria provided, single submitter. Criteria: Invitae Variant Classification Sherloc (09022015). Collection method: clinical testing. Allele origin: germline.
Comment: This sequence change falls in intron 6 of the P3H1 gene. It does not directly change the encoded amino acid sequence of the P3H1 protein. RNA analysis indicates that this variant induces altered splicing and likely results in a shortened protein product. This variant is present in population databases (rs72659353, gnomAD 0.01%). This variant has been observed in individual(s) with osteogenesis imperfecta (PMID: 18566967, 24498616, 35327962). It has also been observed to segregate with disease in related individuals. ClinVar contains an entry for this variant (Variation ID: 1061675). Variants that disrupt the consensus splice site are a relatively common cause of aberrant splicing (PMID: 17576681, 9536098). Studies have shown that this variant results in skipping of exon 6, but is expected to preserve the integrity of the reading-frame (PMID: 18566967). For these reasons, this variant has been classified as Pathogenic.

Genesolutions, Medical Genetics Institutes, Ho Chi Minh City, Vietnam
Classification: Pathogenic for Osteogenesis imperfecta type 8. Last evaluated: 2025-09-24. Review status: criteria provided, single submitter. Criteria: ACMG Guidelines, 2015. Collection method: clinical testing. Allele origin: germline. Affected: yes.

Fulgent Genetics
Classification: Likely pathogenic for Osteogenesis imperfecta type 8. Last evaluated: 2024-03-09. Review status: criteria provided, single submitter. Criteria: ACMG Guidelines, 2015. Collection method: clinical testing. Allele origin: germline.

PreventionGenetics, part of Exact Sciences
Classification: Pathogenic for P3H1-related condition. Last evaluated: 2024-07-11. Review status: no assertion criteria provided. Collection method: clinical testing. Allele origin: germline. Not counted in ClinVar's aggregate classification.
Comment: The P3H1 c.1170+5G>C variant is predicted to interfere with splicing. This variant in the homozygous state or along with a second variant in this gene has been reported in multiple individuals with osteogenesis imperfecta (OI) (Baldridge et al 2008. PubMed ID: 18566967; Zhytnik et al. 2022. PubMed ID: 35327962; Table S1, Lin et al. 2023. PubMed ID: 37270749) and was reported to result in skipping of exon 6 (90 base pairs) (Baldridge et al 2008. PubMed ID: 18566967). This variant was mainly found in Vietnamese OI patients of the Kinh ethnicity (Zhytnik et al. 2022. PubMed ID: 35327962). This variant is reported in 0.016% of alleles in individuals of East Asian descent in gnomAD. This variant is interpreted as pathogenic.

Dr. Peter K. Rogan Lab, Western University
No classification provided (evidence only). Condition: Familial cancer of breast. Review status: no classification provided. Collection method: in vitro. Allele origin: not applicable. Functional consequence: skipped exon, retained intron. Not counted in ClinVar's aggregate classification.

Literature cited by the submitters: PubMed 18566967 (cited by Labcorp Genetics (formerly Invitae), Labcorp); PubMed 24498616 (cited by Labcorp Genetics (formerly Invitae), Labcorp); PubMed 35327962 (cited by Labcorp Genetics (formerly Invitae), Labcorp); PubMed 17576681 (cited by Labcorp Genetics (formerly Invitae), Labcorp); PubMed 9536098 (cited by Labcorp Genetics (formerly Invitae), Labcorp).